The following is an entry in ClinVar:

NM_001012614.2(CTBP1):c.968A>C (p.Glu323Ala)

Genes: CTBP1 (C-terminal binding protein 1; minus strand), CTBP1-AS (CTBP1 antisense RNA; plus strand). Cytogenetic location: 4p16.3.
Variant type: single nucleotide variant.
Coding change: c.968A>C on transcript NM_001012614.2 (MANE Select); coding-DNA position 968, A replaced by C.
Protein change: p.Glu323Ala; replaces glutamic acid 323 with alanine.
Molecular consequence: missense variant.
Genome position (GRCh38, 1-based): chr4:1,213,498, T>G on the plus strand (A>C on the coding strand, the complement: CTBP1 is on the minus strand). VCF-style: chr4-1213498-T-G. GRCh37 (hg19) VCF-style: chr4-1207286-T-G.
Other names: c.1001A>C, p.Glu334Ala (NM_001328.3, NM_001377186.1); c.968A>C, p.Glu323Ala (NM_001377187.1, NM_001377188.1, NM_001377189.1 and 4 more transcripts); short protein forms E323A, E334A.
Identifiers: ClinVar variation 2127719 (VCV002127719.4), dbSNP rs2535023214, ClinGen allele CA355945849.

ClinVar aggregate classification (germline): Uncertain significance (1 of 4 stars; one submission).

Submission:

Labcorp Genetics (formerly Invitae), Labcorp
Classification: Uncertain significance. Last evaluated: 2022-04-18. Review status: criteria provided, single submitter. Criteria: Invitae Variant Classification Sherloc (09022015). Collection method: clinical testing. Allele origin: germline.
Comment: This sequence change replaces glutamic acid, which is acidic and polar, with alanine, which is neutral and non-polar, at codon 334 of the CTBP1 protein (p.Glu334Ala). This variant is not present in population databases (gnomAD no frequency). This variant has not been reported in the literature in individuals affected with CTBP1-related conditions. Algorithms developed to predict the effect of missense changes on protein structure and function are either unavailable or do not agree on the potential impact of this missense change (SIFT: "Deleterious"; PolyPhen-2: "Probably Damaging"; Align-GVGD: "Class C15"). In summary, the available evidence is currently insufficient to determine the role of this variant in disease. Therefore, it has been classified as a Variant of Uncertain Significance.